The following is an entry in ClinVar:

ClinVar aggregate classification (germline): Pathogenic (0 of 4 stars; one submission).

Conditions:
Microcephaly 1, primary, autosomal recessive (MCPH1). Also called: PREMATURE CHROMOSOME CONDENSATION SYNDROME; PCC SYNDROME; PREMATURE CHROMOSOME CONDENSATION WITH MICROCEPHALY AND MENTAL RETARDATION. Identifiers: Orphanet 2512, MedGen C1855081, MONDO:0009617, OMIM 251200.

Submission:

Quest Diagnostics Nichols Institute San Juan Capistrano
Classification: Pathogenic for Microcephaly 1, primary, autosomal recessive. Last evaluated: 2014-05-25. Review status: no assertion criteria provided. Collection method: clinical testing. Allele origin: inherited. Affected: yes. Observed: 1 variant allele.
Comment: Homozygous deletion of ~250 kb at 8p23.2-p23.1 and within a region of allelic homozygosity, chr8.hg19:g.(6060654_6061169)_(6310738_6317266)del.

Literature cited by the submitters: PubMed 16311745.

NC_000008.10:g.(6060654_6061169)_(6310738_6317266)del

Genes: MCPH1-DT (MCPH1 divergent transcript; minus strand), MCPH1 (microcephalin 1; plus strand), LOC129999780 (ATAC-STARR-seq lymphoblastoid silent region 18881; plus strand), LOC129389953 (MPRA-validated peak6892 silencer; plus strand), LOC126860289 (P300/CBP strongly-dependent group 1 enhancer GRCh37_chr8:6170563-6171762; plus strand) and 4 more. Cytogenetic location: 8p23.2-23.1.
Variant type: Deletion.
Identifiers: ClinVar variation 208150 (VCV000208150.2).